The following is an entry in ClinVar:

NC_012920.1(MT-ND5):m.13913T>C

Gene: MT-ND5 (mitochondrially encoded NADH dehydrogenase 5; plus strand).
Variant type: single nucleotide variant.
Genome position: chrM-13913-T-C.
Identifiers: ClinVar variation 693631 (VCV000693631.1), dbSNP rs1603224410, ClinGen allele CA414820074.

ClinVar aggregate classification (germline): Uncertain significance (1 of 4 stars; one submission).

Conditions:
Leigh syndrome (NULS). Also called: Leigh's necrotizing encephalopathy; Leigh's disease; Leigh's syndrome; LEIGH SYNDROME, NUCLEAR; Leigh Syndrome (mtDNA deletion); Leigh Disease. Identifiers: Orphanet 506, MedGen C2931891, MONDO:0009723, OMIM 256000.

Submission:

Wong Mito Lab, Molecular and Human Genetics, Baylor College of Medicine
Classification: Uncertain significance for Leigh syndrome. Last evaluated: 2019-10-17. Review status: criteria provided, single submitter. Criteria: Modified ACMG Guidelines (Unpublished). Collection method: clinical testing. Allele origin: germline.
Comment: The NC_012920.1:m.13913T>C (YP_003024036.1:p.Leu526Pro) variant in MTND5 gene is interpretated to be a Uncertain Significance variant based on the modified ACMG guidelines (unpublished). This variant meets the following evidence codes: PP7, BP5